The following is an entry in ClinVar:

NM_001371986.1(UNC80):c.9351C>G (p.Asn3117Lys)

Gene: UNC80 (unc-80 subunit of NALCN channel complex; plus strand). Cytogenetic location: 2q34.
Variant type: single nucleotide variant.
Coding change: c.9351C>G on transcript NM_001371986.1 (MANE Select); coding-DNA position 9351, C replaced by G.
Protein change: p.Asn3117Lys; replaces asparagine 3117 with lysine.
Molecular consequence: missense variant.
Genome position (GRCh38, 1-based): chr2:209,992,202, C>G. VCF-style: chr2-209992202-C-G. GRCh37 (hg19) VCF-style: chr2-210856926-C-G.
Other names: c.9153C>G, p.Asn3051Lys (NM_032504.2); c.9081C>G, p.Asn3027Lys (NM_182587.4); short protein forms N3117K, N3027K, N3051K.
Identifiers: ClinVar variation 2095239 (VCV002095239.4), dbSNP rs1332853851, ClinGen allele CA350415329.

ClinVar aggregate classification (germline): Uncertain significance (1 of 4 stars; one submission).

Submission:

Labcorp Genetics (formerly Invitae), Labcorp
Classification: Uncertain significance. Last evaluated: 2022-03-22. Review status: criteria provided, single submitter. Criteria: Invitae Variant Classification Sherloc (09022015). Collection method: clinical testing. Allele origin: germline.
Comment: This sequence change replaces asparagine, which is neutral and polar, with lysine, which is basic and polar, at codon 3051 of the UNC80 protein (p.Asn3051Lys). In summary, the available evidence is currently insufficient to determine the role of this variant in disease. Therefore, it has been classified as a Variant of Uncertain Significance. Algorithms developed to predict the effect of missense changes on protein structure and function are either unavailable or do not agree on the potential impact of this missense change (SIFT: "Not Available"; PolyPhen-2: "Probably Damaging"; Align-GVGD: "Not Available"). This variant has not been reported in the literature in individuals affected with UNC80-related conditions. This variant is not present in population databases (gnomAD no frequency).